The following is an entry in ClinVar:

NM_001042492.3(NF1):c.3565C>G (p.Gln1189Glu)

Gene: NF1 (neurofibromin 1; plus strand). Cytogenetic location: 17q11.2.
Variant type: single nucleotide variant.
Coding change: c.3565C>G on transcript NM_001042492.3 (MANE Select); coding-DNA position 3565, C replaced by G.
Protein change: p.Gln1189Glu; replaces glutamine 1189 with glutamic acid.
Molecular consequence: missense variant.
Genome position (GRCh38, 1-based): chr17:31,233,070, C>G. VCF-style: chr17-31233070-C-G. GRCh37 (hg19) VCF-style: chr17-29560088-C-G.
Other names: c.3565C>G, p.Gln1189Glu (NM_000267.4); short protein forms Q1189E.
Identifiers: ClinVar variation 823936 (VCV000823936.4), dbSNP rs878853884, ClinGen allele CA398990068.

ClinVar aggregate classification (germline): Uncertain significance (1 of 4 stars; one submission).

Conditions:
Hereditary cancer-predisposing syndrome. Also called: Neoplastic Syndromes, Hereditary; Tumor predisposition; Hereditary neoplastic syndrome; Hereditary Cancer Syndrome. Identifiers: Orphanet 140162, MedGen C0027672, MeSH D009386, MONDO:0015356.
Cardiovascular phenotype. Identifiers: MedGen CN230736.

Submission:

Ambry Genetics
Classification: Uncertain significance for Cardiovascular phenotype; Hereditary cancer-predisposing syndrome. Last evaluated: 2019-03-20. Review status: criteria provided, single submitter. Criteria: Ambry Variant Classification Scheme 2023. Collection method: clinical testing. Allele origin: germline.
Comment: The p.Q1189E variant (also known as c.3565C>G), located in coding exon 27 of the NF1 gene, results from a C to G substitution at nucleotide position 3565. The glutamine at codon 1189 is replaced by glutamic acid, an amino acid with highly similar properties. This amino acid position is highly conserved in available vertebrate species. In addition, the in silico prediction for this alteration is inconclusive. Since supporting evidence is limited at this time, the clinical significance of this alteration remains unclear.